The following is an entry in ClinVar:

ClinVar aggregate classification (germline): Likely pathogenic (1 of 4 stars; one submission).

Conditions:
RP1-related recessive retinopathy. Identifiers: MedGen CN322605, MONDO:0800399.

Submission:

Department of Ophthalmology, Seoul National University Bundang Hospital
Classification: Likely pathogenic for RP1-related recessive retinopathy. Last evaluated: 2026-10-19. Review status: criteria provided, single submitter. Criteria: ACMG Guidelines, 2015. Collection method: clinical testing. Allele origin: germline. Inheritance: Autosomal recessive inheritance. Affected: yes.
Comment: Frameshift variant in exon 2. Identified in a Korean multicenter RP1 cohort (PMID:42847597) with recessive macular dystrophy. ACMG/AMP criteria: PVS1, PM2.

Literature cited by the submitters: PubMed 42847597.

NM_006269.2(RP1):c.263del (p.Gly88fs)

Gene: RP1 (RP1 axonemal microtubule associated; plus strand). Cytogenetic location: 8q12.1.
Variant type: Deletion.
Coding change: c.263del on transcript NM_006269.2 (MANE Select); coding-DNA position 263, one base deleted (G; older notation c.263delG).
Protein change: p.Gly88fs; shifts the reading frame from glycine 88.
Molecular consequence: frameshift variant.
Genome position (GRCh38, 1-based): chr8:54,621,229, G deleted; the last of 4 consecutive G bases (chr8:54,621,226-54,621,229); deleting any one gives the same sequence. VCF-style (leftmost placement, unchanged base first): chr8-54621225-CG-C. GRCh37 (hg19) VCF-style: chr8-55533785-CG-C.
Other names: p.Gly88Alafs*28; c.263del, p.Gly88fs (NM_001375654.1); short protein forms G88fs.
Identifiers: ClinVar variation 5042630 (VCV005042630.1).
Genomic context (GRCh38, chr8:54,621,225, plus strand): 5'-CTGGATAACTTGTCCAGGAAGGTGCCCCTCCCTTTTGGAGTGAGGAACATCAGCACCCCT[CG>C]GGGCAGGCACAGCATCACGCGCCTGGAGGAGCTGGAGGACGGCGAGTCCTACCTATGTTC-3'